The following is an entry in ClinVar:

ClinVar aggregate classification (germline): Uncertain significance (1 of 4 stars; one submission).

Conditions:
Epidermolysis bullosa simplex 5B, with muscular dystrophy (EBS5B). Also called: EPIDERMOLYSIS BULLOSA SIMPLEX AND LIMB-GIRDLE MUSCULAR DYSTROPHY; Epidermolysis bullosa simplex with muscular dystrophy. Identifiers: Orphanet 257, MedGen C2931072, MONDO:0009181, OMIM 226670.
Epidermolysis bullosa simplex with nail dystrophy (EBS5D). Identifiers: MedGen C4225309, MONDO:0014661, OMIM 616487.
Epidermolysis bullosa simplex, Ogna type (EBS5A). Also called: EPIDERMOLYSIS BULLOSA SIMPLEX 5A, OGNA TYPE; Pidermolysis bullosa simplex 5A, Ogna type. Identifiers: Orphanet 79401, MedGen C0432317, MONDO:0007555, OMIM 131950.
Autosomal recessive limb-girdle muscular dystrophy type 2Q (LGMDR17). Also called: MUSCULAR DYSTROPHY, LIMB-GIRDLE, AUTOSOMAL RECESSIVE 17. Identifiers: Orphanet 254361, MedGen C3150989, MONDO:0013390, OMIM 613723.
Epidermolysis bullosa simplex 5C, with pyloric atresia (EBS5C). Also called: Epidermolysis bullosa simplex with pyloric atresia; PLEC-Related Epidermolysis Bullosa with Pyloric Atresia; PLEC1-Related Epidermolysis Bullosa with Pyloric Atresia. Identifiers: Orphanet 158684, MedGen C2677349, MONDO:0012807, OMIM 612138.

Allele frequency attached by ClinVar (database versions not stated): gnomAD exomes below 0.00001 and 0.00001; TOPMed below 0.00001; ExAC 0.00001; gnomAD 0.00001 and 0.00002.
gnomAD v4.1: 9 of 1,613,656 alleles (0.00056%); highest among the groups gnomAD compares: Non-Finnish European, 0.00076%; no homozygotes.

Submission:

Labcorp Genetics (formerly Invitae), Labcorp
Classification: Uncertain significance for Autosomal recessive limb-girdle muscular dystrophy type 2Q; Epidermolysis bullosa simplex, Ogna type; Epidermolysis bullosa simplex with nail dystrophy; Epidermolysis bullosa simplex 5C, with pyloric atresia; Epidermolysis bullosa simplex 5B, with muscular dystrophy. Last evaluated: 2024-04-05. Review status: criteria provided, single submitter. Criteria: Invitae Variant Classification Sherloc (09022015). Collection method: clinical testing. Allele origin: germline.
Comment: This sequence change replaces lysine, which is basic and polar, with arginine, which is basic and polar, at codon 3575 of the PLEC protein (p.Lys3575Arg). This variant is present in population databases (rs782153391, gnomAD 0.003%). This variant has not been reported in the literature in individuals affected with PLEC-related conditions. ClinVar contains an entry for this variant (Variation ID: 945757). Algorithms developed to predict the effect of missense changes on protein structure and function output the following: SIFT: "Not Available"; PolyPhen-2: "Benign"; Align-GVGD: "Not Available". The arginine amino acid residue is found in multiple mammalian species, which suggests that this missense change does not adversely affect protein function. In summary, the available evidence is currently insufficient to determine the role of this variant in disease. Therefore, it has been classified as a Variant of Uncertain Significance.

NM_201384.3(PLEC):c.10643A>G (p.Lys3548Arg)

Gene: PLEC (plectin; minus strand). Cytogenetic location: 8q24.3.
Variant type: single nucleotide variant.
Coding change: c.10643A>G on transcript NM_201384.3 (MANE Select); coding-DNA position 10643, A replaced by G.
Protein change: p.Lys3548Arg; replaces lysine 3548 with arginine.
Molecular consequence: missense variant.
Genome position (GRCh38, 1-based): chr8:143,919,178, T>C on the plus strand (A>G on the coding strand, the complement: PLEC is on the minus strand). VCF-style: chr8-143919178-T-C. GRCh37 (hg19) VCF-style: chr8-144993346-T-C.
Other names: c.10724A>G, p.Lys3575Arg (NM_000445.5); c.10601A>G, p.Lys3534Arg (NM_201378.4); c.10577A>G, p.Lys3526Arg (NM_201379.3); c.11054A>G, p.Lys3685Arg (NM_201380.4); c.10547A>G, p.Lys3516Arg (NM_201381.3); c.10643A>G, p.Lys3548Arg (NM_201382.4); c.10655A>G, p.Lys3552Arg (NM_201383.3); short protein forms K3526R, K3575R, K3516R, K3534R, K3548R, K3552R, K3685R.
Identifiers: ClinVar variation 945757 (VCV000945757.10), dbSNP rs782153391, ClinGen allele CA4924579.